The following is an entry in ClinVar:

NM_001134363.3(RBM20):c.2450G>T (p.Gly817Val)

Gene: RBM20 (RNA binding motif protein 20; plus strand). Cytogenetic location: 10q25.2.
Variant type: single nucleotide variant.
Coding change: c.2450G>T on transcript NM_001134363.3 (MANE Select); coding-DNA position 2450, G replaced by T.
Protein change: p.Gly817Val; replaces glycine 817 with valine.
Molecular consequence: missense variant.
Genome position (GRCh38, 1-based): chr10:110,812,847, G>T. VCF-style: chr10-110812847-G-T. GRCh37 (hg19) VCF-style: chr10-112572605-G-T.
Other names: short protein forms G817V.
Identifiers: ClinVar variation 3671147 (VCV003671147.3).

ClinVar aggregate classification (germline): Uncertain significance. Review status: criteria provided, multiple submitters, no conflicts (2 of 4 stars). 2 submissions from 2 submitters: Uncertain significance (2). Last evaluated 2025-07-11.

Conditions:
Dilated cardiomyopathy 1DD (CMD1DD). Identifiers: Orphanet 154, MedGen C2750995, MONDO:0013168, OMIM 613172.

gnomAD v4.1: 4 of 1,513,378 alleles (0.00026%); highest among the groups gnomAD compares: Non-Finnish European, 0.00035%; no homozygotes.

Submissions (2):

GeneDx
Classification: Uncertain significance. Last evaluated: 2025-07-11. Review status: criteria provided, single submitter. Criteria: GeneDx Variant Classification Process June 2021. Collection method: clinical testing. Allele origin: germline. Affected: yes.
Comment: Not observed at significant frequency in large population cohorts (gnomAD); In silico analysis supports that this missense variant has a deleterious effect on protein structure/function; Has not been previously published as pathogenic or benign to our knowledge

Labcorp Genetics (formerly Invitae), Labcorp
Classification: Uncertain significance for Dilated cardiomyopathy 1DD. Last evaluated: 2025-06-27. Review status: criteria provided, single submitter. Criteria: Invitae Variant Classification Sherloc (09022015). Collection method: clinical testing. Allele origin: germline.
Comment: This sequence change replaces glycine, which is neutral and non-polar, with valine, which is neutral and non-polar, at codon 817 of the RBM20 protein (p.Gly817Val). This variant is not present in population databases (gnomAD no frequency). This variant has not been reported in the literature in individuals affected with RBM20-related conditions. ClinVar contains an entry for this variant (Variation ID: 3671147). Invitae Evidence Modeling of protein sequence and biophysical properties (such as structural, functional, and spatial information, amino acid conservation, physicochemical variation, residue mobility, and thermodynamic stability) indicates that this missense variant is not expected to disrupt RBM20 protein function with a negative predictive value of 95%. In summary, the available evidence is currently insufficient to determine the role of this variant in disease. Therefore, it has been classified as a Variant of Uncertain Significance.